The following is an entry in ClinVar:

ClinVar aggregate classification (germline): Uncertain significance. Review status: criteria provided, multiple submitters, no conflicts (2 of 4 stars). 2 submissions from 2 submitters: Uncertain significance (2). Last evaluated 2024-12-31.

Conditions:
Inborn genetic diseases. Identifiers: MedGen C0950123, MeSH D030342.
Juvenile nephropathic cystinosis. Also called: Later-Onset (Juvenile) Cystinosis; Intermediate Cystinosis; CYSTINOSIS, LATE-ONSET JUVENILE OR ADOLESCENT NEPHROPATHIC TYPE. Identifiers: Orphanet 213, Orphanet 411634, MedGen C0268626, MONDO:0009066, OMIM 219900.
Ocular cystinosis. Also called: Non-Nephropathic (Ocular) Cystinosis; Non-Nephropathic Cystinosis. Identifiers: Orphanet 213, Orphanet 411641, MedGen C2931013, MONDO:0009064, OMIM 219750.

Submissions (2):

Ambry Genetics
Classification: Uncertain significance for Inborn genetic diseases. Last evaluated: 2024-12-31. Review status: criteria provided, single submitter. Criteria: Ambry Variant Classification Scheme 2023. Collection method: clinical testing. Allele origin: germline.

Labcorp Genetics (formerly Invitae), Labcorp
Classification: Uncertain significance for Inborn genetic diseases; Ocular cystinosis; Juvenile nephropathic cystinosis. Last evaluated: 2022-05-08. Review status: criteria provided, single submitter. Criteria: Invitae Variant Classification Sherloc (09022015). Collection method: clinical testing. Allele origin: germline.
Comment: This sequence change replaces asparagine, which is neutral and polar, with serine, which is neutral and polar, at codon 104 of the CTNS protein (p.Asn104Ser). This variant is not present in population databases (gnomAD no frequency). This variant has not been reported in the literature in individuals affected with CTNS-related conditions. Advanced modeling of protein sequence and biophysical properties (such as structural, functional, and spatial information, amino acid conservation, physicochemical variation, residue mobility, and thermodynamic stability) performed at Invitae indicates that this missense variant is not expected to disrupt CTNS protein function. In summary, the available evidence is currently insufficient to determine the role of this variant in disease. Therefore, it has been classified as a Variant of Uncertain Significance.

NM_004937.3(CTNS):c.311A>G (p.Asn104Ser)

Genes: CTNS (cystinosin, lysosomal cystine transporter; plus strand), CTNS-AS1 (CTNS antisense RNA 1; minus strand). Cytogenetic location: 17p13.2.
Variant type: single nucleotide variant.
Coding change: c.311A>G on transcript NM_004937.3 (MANE Select); coding-DNA position 311, A replaced by G.
Protein change: p.Asn104Ser; replaces asparagine 104 with serine.
Molecular consequence: missense variant. On other transcripts: 5 prime UTR variant (4).
Genome position (GRCh38, 1-based): chr17:3,655,083, A>G. VCF-style: chr17-3655083-A-G. GRCh37 (hg19) VCF-style: chr17-3558377-A-G.
Other names: c.311A>G, p.Asn104Ser (NM_001031681.3, NM_001374492.1); c.-131A>G (NM_001374493.1, NM_001374494.1, NM_001374495.1 and 1 more transcripts); c.311A>G (NM_004937.2); short protein forms N104S.
Identifiers: ClinVar variation 1955370 (VCV001955370.3), dbSNP rs2507742692, ClinGen allele CA397690272.
Genomic context (GRCh38, chr17:3,655,083, plus strand): 5'-ACTCCTCTTTTCAAGTGACATCTCAAAATGTTGGACAACTTACTGTTTATCTACATGGAA[A>G]TCACTCCAATCAGACCGGGTAGGCTGGCCTCAGGGTGTGCGGGCCTCACGTGACAAGAAG-3'
Protein context (NP_004928.2, residues 94-114): VGQLTVYLHG[Asn104Ser]HSNQTGPRIR